The following is an entry in ClinVar:

NM_002471.4(MYH6):c.5334C>T (p.Ser1778=)

Gene: MYH6 (myosin heavy chain 6; minus strand). Cytogenetic location: 14q11.2.
Variant type: single nucleotide variant.
Coding change: c.5334C>T on transcript NM_002471.4 (MANE Select); coding-DNA position 5334, C replaced by T.
Protein change: p.Ser1778=; no amino-acid change (serine 1778 retained).
Molecular consequence: synonymous variant.
Genome position (GRCh38, 1-based): chr14:23,384,673, G>A on the plus strand (C>T on the coding strand, the complement: MYH6 is on the minus strand). VCF-style: chr14-23384673-G-A. GRCh37 (hg19) VCF-style: chr14-23853882-G-A.
Identifiers: ClinVar variation 1284399 (VCV001284399.8), dbSNP rs556492704, ClinGen allele CA7114455.

ClinVar aggregate classification (germline): Likely benign. Review status: criteria provided, multiple submitters, no conflicts (2 of 4 stars). 5 submissions from 5 submitters: Likely benign (3). 2 of the submissions do not count toward it. Last evaluated 2026-02-04.

Conditions:
MYH6-related disorder. Also called: MYH6-Related Disorders; MYH6-related condition.
Hypertrophic cardiomyopathy 14. Identifiers: MedGen C2750467, MONDO:0013197, OMIM 613251.
Cardiovascular phenotype. Identifiers: MedGen CN230736.

Allele frequency attached by ClinVar (database versions not stated): gnomAD exomes 0.00001 and 0.00004; ExAC 0.00002; TOPMed 0.00003; gnomAD 0.00004 and 0.00005; 1000 Genomes Project 30x 0.00016; 1000 Genomes Project 0.00020.

Submissions (5):

PreventionGenetics, part of Exact Sciences
Classification: Likely benign for MYH6-related condition. Last evaluated: 2026-02-04. Review status: criteria provided, single submitter. Criteria: ACMG Guidelines, 2015. Collection method: clinical testing. Allele origin: germline.
Comment: This variant is classified as likely benign based on ACMG/AMP sequence variant interpretation guidelines (Richards et al. 2015 PMID: 25741868, with internal and published modifications).

Labcorp Genetics (formerly Invitae), Labcorp
Classification: Likely benign for Hypertrophic cardiomyopathy 14. Last evaluated: 2024-07-17. Review status: criteria provided, single submitter. Criteria: Invitae Variant Classification Sherloc (09022015). Collection method: clinical testing. Allele origin: germline.

Ambry Genetics
Classification: Likely benign for Cardiovascular phenotype. Last evaluated: 2019-06-21. Review status: criteria provided, single submitter. Criteria: Ambry Variant Classification Scheme 2023. Collection method: clinical testing. Allele origin: germline.

Clinical Genetics, Academic Medical Center
Classification: Benign. Review status: no assertion criteria provided. Collection method: clinical testing. Allele origin: germline. Affected: yes. Study: VKGL Data-share Consensus. Not counted in ClinVar's aggregate classification.

Diagnostic Laboratory, Department of Genetics, University Medical Center Groningen
Classification: Likely benign. Review status: no assertion criteria provided. Collection method: clinical testing. Allele origin: germline. Affected: yes. Study: VKGL Data-share Consensus. Not counted in ClinVar's aggregate classification.